The following is an entry in ClinVar:

NM_198253.3(TERT):c.278C>T (p.Ala93Val)

Gene: TERT (telomerase reverse transcriptase; minus strand). Cytogenetic location: 5p15.33.
Variant type: single nucleotide variant.
Coding change: c.278C>T on transcript NM_198253.3 (MANE Select); coding-DNA position 278, C replaced by T.
Protein change: p.Ala93Val; replaces alanine 93 with valine.
Molecular consequence: missense variant. On other transcripts: non-coding transcript variant (2).
Genome position (GRCh38, 1-based): chr5:1,294,608, G>A on the plus strand (C>T on the coding strand, the complement: TERT is on the minus strand). VCF-style: chr5-1294608-G-A. GRCh37 (hg19) VCF-style: chr5-1294723-G-A.
Other names: c.278C>T (NM_198253.2); c.278C>T, p.Ala93Val (NM_001193376.3); short protein forms A93V.
Identifiers: ClinVar variation 1017097 (VCV001017097.30), dbSNP rs1751268584, ClinGen allele CA359058537.

ClinVar aggregate classification (germline): Uncertain significance. Review status: criteria provided, multiple submitters, no conflicts (2 of 4 stars). 3 submissions from 3 submitters: Uncertain significance (3). Last evaluated 2025-11-24.

Conditions:
Dyskeratosis congenita, autosomal dominant 2. Identifiers: MedGen C3151443, MONDO:0013521, OMIM 613989.
Idiopathic Pulmonary Fibrosis. Also called: Idiopathic fibrosing alveolitis, chronic form; idiopathic fibrosing alveolitis. Identifiers: Orphanet 2032, MedGen C1800706, MeSH D054990, MONDO:0800504.
Dyskeratosis congenita. Identifiers: Orphanet 1775, MedGen C0265965, MONDO:0015780.

Submissions (3):

Ambry Genetics
Classification: Uncertain significance for Dyskeratosis congenita. Last evaluated: 2025-11-24. Review status: criteria provided, single submitter. Criteria: Ambry Variant Classification Scheme 2023. Collection method: clinical testing. Allele origin: germline.
Comment: The p.A93V variant (also known as c.278C>T), located in coding exon 2 of the TERT gene, results from a C to T substitution at nucleotide position 278. The alanine at codon 93 is replaced by valine, an amino acid with similar properties. This amino acid position is conserved. In addition, this alteration is predicted to be tolerated by in silico analysis. Since supporting evidence is limited at this time, the clinical significance of this alteration remains unclear.

Labcorp Genetics (formerly Invitae), Labcorp
Classification: Uncertain significance for Dyskeratosis congenita, autosomal dominant 2; Idiopathic Pulmonary Fibrosis. Last evaluated: 2024-05-16. Review status: criteria provided, single submitter. Criteria: Invitae Variant Classification Sherloc (09022015). Collection method: clinical testing. Allele origin: germline.
Comment: This sequence change replaces alanine, which is neutral and non-polar, with valine, which is neutral and non-polar, at codon 93 of the TERT protein (p.Ala93Val). This variant is not present in population databases (gnomAD no frequency). This variant has not been reported in the literature in individuals affected with TERT-related conditions. ClinVar contains an entry for this variant (Variation ID: 1017097). Algorithms developed to predict the effect of missense changes on protein structure and function output the following: SIFT: "Not Available"; PolyPhen-2: "Benign"; Align-GVGD: "Not Available". The valine amino acid residue is found in multiple mammalian species, which suggests that this missense change does not adversely affect protein function. In summary, the available evidence is currently insufficient to determine the role of this variant in disease. Therefore, it has been classified as a Variant of Uncertain Significance.

CeGaT Center for Human Genetics Tuebingen
Classification: Uncertain significance. Last evaluated: 2024-05-01. Review status: criteria provided, single submitter. Criteria: CeGaT Center For Human Genetics Tuebingen Variant Classification Criteria Version 2. Collection method: clinical testing. Allele origin: germline. Affected: yes. Observed: 1 variant allele.
Comment: TERT: PM2, PP3